The following is an entry in ClinVar:

NM_001378414.1(HDAC4):c.2272G>A (p.Gly758Ser)

Gene: HDAC4 (histone deacetylase 4; minus strand). Cytogenetic location: 2q37.3.
Variant type: single nucleotide variant.
Coding change: c.2272G>A on transcript NM_001378414.1 (MANE Select); coding-DNA position 2272, G replaced by A.
Protein change: p.Gly758Ser; replaces glycine 758 with serine.
Molecular consequence: missense variant.
Genome position (GRCh38, 1-based): chr2:239,095,018, C>T on the plus strand (G>A on the coding strand, the complement: HDAC4 is on the minus strand). VCF-style: chr2-239095018-C-T. GRCh37 (hg19) VCF-style: chr2-240016714-C-T.
Other names: c.2272G>A, p.Gly758Ser (NM_001378415.1); c.2257G>A, p.Gly753Ser (NM_001378416.1, NM_001378417.1, NM_006037.4); short protein forms G753S, G758S.
Identifiers: ClinVar variation 392501 (VCV000392501.2), dbSNP rs1057524517, ClinGen allele CA16604149.

ClinVar aggregate classification (germline): Uncertain significance (1 of 4 stars; one submission).

gnomAD v4.1: 4 of 1,613,932 alleles (0.00025%); highest among the groups gnomAD compares: Non-Finnish European, 0.00034%; no homozygotes.

Submission:

GeneDx
Classification: Uncertain significance. Last evaluated: 2017-01-17. Review status: criteria provided, single submitter. Criteria: GeneDx Variant Classification (06012015). Collection method: clinical testing. Allele origin: germline. Affected: yes.
Comment: The G753S variant in the HDAC4 gene has not been reported previously as a pathogenic variant, nor as a benign variant, to our knowledge. The G753S variant was not observed in approximately 6500 individuals of European and African American ancestry in the NHLBI Exome Sequencing Project, indicating it is not a common benign variant in these populations. The G753S variant is a non-conservative amino acid substitution, which is likely to impact secondary protein structure as these residues differ in polarity, charge, size and/or other properties. This substitution occurs at a position that is conserved across species and in silico analysis predicts this variant is probably damaging to the protein structure/function. We interpret G753S as a variant of uncertain significance.